The following is an entry in ClinVar:

ClinVar aggregate classification (germline): Uncertain significance (1 of 4 stars; one submission).

Conditions:
MHC class I deficiency. Identifiers: Orphanet 34592, MedGen C6024714, MONDO:0011476.

Allele frequency attached by ClinVar (database versions not stated): 1000 Genomes Project 30x 0.00047; TOPMed 0.00029; 1000 Genomes Project 0.00040; ESP Exome Variant Server 0.00040; gnomAD 0.00029 and 0.00028; gnomAD exomes 0.00002 and 0.00007; ExAC 0.00013.

Submission:

Labcorp Genetics (formerly Invitae), Labcorp
Classification: Uncertain significance for MHC class I deficiency 1. Last evaluated: 2024-10-22. Review status: criteria provided, single submitter. Criteria: Invitae Variant Classification Sherloc (09022015). Collection method: clinical testing. Allele origin: germline.
Comment: This sequence change replaces serine, which is neutral and polar, with phenylalanine, which is neutral and non-polar, at codon 13 of the TAP1 protein (p.Ser13Phe). This variant is present in population databases (rs202053684, gnomAD 0.09%). This variant has not been reported in the literature in individuals affected with TAP1-related conditions. ClinVar contains an entry for this variant (Variation ID: 1039130). Experimental studies and prediction algorithms are not available or were not evaluated, and the functional significance of this variant is currently unknown. In summary, the available evidence is currently insufficient to determine the role of this variant in disease. Therefore, it has been classified as a Variant of Uncertain Significance.

NC_000006.12:g.32853779G>A

Gene: TAP1 (transporter 1, ATP binding cassette subfamily B member; minus strand). Cytogenetic location: 6p21.32.
Variant type: single nucleotide variant.
Genome position: GRCh38 VCF-style: chr6-32853779-G-A. GRCh37 (hg19) VCF-style: chr6-32821556-G-A.
Identifiers: ClinVar variation 1039130 (VCV001039130.7), dbSNP rs202053684, ClinGen allele CA3747119.